The following is an entry in ClinVar:

ClinVar aggregate classification (germline): Likely pathogenic (1 of 4 stars; one submission).

Submission:

Labcorp Genetics (formerly Invitae), Labcorp
Classification: Likely pathogenic. Last evaluated: 2021-09-18. Review status: criteria provided, single submitter. Criteria: Invitae Variant Classification Sherloc (09022015). Collection method: clinical testing. Allele origin: germline.
Comment: This variant results in a copy number gain of the genomic region encompassing exon(s) 9-20 of the SLC26A4 gene. While the exact position of this variant cannot be determined from the data, sub-genic copy number gains are generally in tandem (PMID: 25640679). This variant is predicted to be out-of-frame, and may result in an absent or disrupted protein product. Loss-of-function variants in SLC26A4 are known to be pathogenic (PMID: 16283880, 25394566, 26252218, 26445815). This variant has not been reported in the literature in individuals affected with SLC26A4-related conditions. In summary, the currently available evidence indicates that the variant is pathogenic, but additional data are needed to prove that conclusively. Therefore, this variant has been classified as Likely Pathogenic.

Literature cited by the submitters: PubMed 25640679; PubMed 16283880; PubMed 25394566; PubMed 26252218; PubMed 26445815.

NC_000007.13:g.(?_107329488)_(107353077_?)dup

Gene: SLC26A4 (solute carrier family 26 member 4; plus strand). Cytogenetic location: 7q22.3.
Variant type: Duplication.
Identifiers: ClinVar variation 1510158 (VCV001510158.3).